The following is an entry in ClinVar:

ClinVar aggregate classification (germline): Uncertain significance (1 of 4 stars; one submission).

Allele frequency attached by ClinVar (database versions not stated): ExAC 0.00001; TOPMed 0.00001; gnomAD 0.00002; gnomAD exomes 0.00002.
gnomAD v4.1: 28 of 1,612,678 alleles (0.0017%); highest among the groups gnomAD compares: Non-Finnish European, 0.0024%; no homozygotes.

Submission:

Labcorp Genetics (formerly Invitae), Labcorp
Classification: Uncertain significance. Last evaluated: 2022-03-12. Review status: criteria provided, single submitter. Criteria: Invitae Variant Classification Sherloc (09022015). Collection method: clinical testing. Allele origin: germline.
Comment: This sequence change replaces glutamic acid, which is acidic and polar, with glycine, which is neutral and non-polar, at codon 4227 of the HMCN1 protein (p.Glu4227Gly). In summary, the available evidence is currently insufficient to determine the role of this variant in disease. Therefore, it has been classified as a Variant of Uncertain Significance. Algorithms developed to predict the effect of missense changes on protein structure and function are either unavailable or do not agree on the potential impact of this missense change (SIFT: "Tolerated"; PolyPhen-2: "Probably Damaging"; Align-GVGD: "Class C0"). This variant has not been reported in the literature in individuals affected with HMCN1-related conditions. This variant is present in population databases (rs768382813, gnomAD 0.0009%).

NM_031935.3(HMCN1):c.12680A>G (p.Glu4227Gly)

Gene: HMCN1 (hemicentin 1; plus strand). Cytogenetic location: 1q31.1.
Variant type: single nucleotide variant.
Coding change: c.12680A>G on transcript NM_031935.3 (MANE Select); coding-DNA position 12680, A replaced by G.
Protein change: p.Glu4227Gly; replaces glutamic acid 4227 with glycine.
Molecular consequence: missense variant.
Genome position (GRCh38, 1-based): chr1:186,125,784, A>G. VCF-style: chr1-186125784-A-G. GRCh37 (hg19) VCF-style: chr1-186094916-A-G.
Other names: short protein forms E4227G.
Identifiers: ClinVar variation 1927588 (VCV001927588.5), dbSNP rs768382813, ClinGen allele CA1294419.